The following is an entry in ClinVar:

NC_000017.10:g.(?_7126433)_(7126544_?)del

Gene: ACADVL (acyl-CoA dehydrogenase very long chain; plus strand). Cytogenetic location: 17p13.1.
Variant type: Deletion.
Identifiers: ClinVar variation 2422137 (VCV002422137.4).

ClinVar aggregate classification (germline): Pathogenic (1 of 4 stars; one submission).

Conditions:
Very long chain acyl-CoA dehydrogenase deficiency (ACADVLD). Also called: Very Long-Chain Acyl-Coenzyme A Dehydrogenase Deficiency; VLCAD Deficiency. Identifiers: Orphanet 26793, MedGen C3887523, MONDO:0008723, OMIM 201475.

Submission:

Labcorp Genetics (formerly Invitae), Labcorp
Classification: Pathogenic for Very long chain acyl-CoA dehydrogenase deficiency. Last evaluated: 2022-08-31. Review status: criteria provided, single submitter. Criteria: Invitae Variant Classification Sherloc (09022015). Collection method: clinical testing. Allele origin: germline.
Comment: For these reasons, this variant has been classified as Pathogenic. This variant disrupts a region of the ACADVL protein in which other variant(s) (p.Arg366His) have been determined to be pathogenic (PMID: 20060901, 24263034, 27246109). This suggests that this is a clinically significant region of the protein, and that variants that disrupt it are likely to be disease-causing. This variant has not been reported in the literature in individuals affected with ACADVL-related conditions. This variant results in the deletion of part of exon 11 (c.1078-19_1170del) of the ACADVL gene. It is expected to disrupt RNA splicing. Variants that disrupt the donor or acceptor splice site typically lead to a loss of protein function (PMID: 16199547), and loss-of-function variants in ACADVL are known to be pathogenic (PMID: 9973285, 11590124).

Literature cited by the submitters: PubMed 20060901; PubMed 24263034; PubMed 27246109; PubMed 16199547; PubMed 9973285; PubMed 11590124.